The following is an entry in ClinVar:

ClinVar aggregate classification (germline): Uncertain significance (1 of 4 stars; one submission).

Conditions:
TCF20-related disorder. Also called: TCF20-related condition.

Submission:

PreventionGenetics, part of Exact Sciences
Classification: Uncertain significance for TCF20-related condition. Last evaluated: 2023-06-26. Review status: criteria provided, single submitter. Criteria: ACMG Guidelines, 2015. Collection method: clinical testing. Allele origin: germline.
Comment: The TCF20 c.2680A>G variant is predicted to result in the amino acid substitution p.Ile894Val. To our knowledge, this variant has not been reported in the literature or in a large population database, indicating this variant is rare. At this time, the clinical significance of this variant is uncertain due to the absence of conclusive functional and genetic evidence.

NM_001378418.1(TCF20):c.2680A>G (p.Ile894Val)

Gene: TCF20 (transcription factor 20; minus strand). Cytogenetic location: 22q13.2.
Variant type: single nucleotide variant.
Coding change: c.2680A>G on transcript NM_001378418.1 (MANE Select); coding-DNA position 2680, A replaced by G.
Protein change: p.Ile894Val; replaces isoleucine 894 with valine.
Molecular consequence: missense variant.
Genome position (GRCh38, 1-based): chr22:42,212,626, T>C on the plus strand (A>G on the coding strand, the complement: TCF20 is on the minus strand). VCF-style: chr22-42212626-T-C. GRCh37 (hg19) VCF-style: chr22-42608632-T-C.
Other names: c.2680A>G, p.Ile894Val (NM_005650.4, NM_181492.3); short protein forms I894V.
Identifiers: ClinVar variation 2632303 (VCV002632303.1), dbSNP rs987795577, ClinGen allele CA411788124.